The following is an entry in ClinVar:

NM_001203.3(BMPR1B):c.440A>G (p.Tyr147Cys)

Gene: BMPR1B (bone morphogenetic protein receptor type 1B; plus strand). Cytogenetic location: 4q22.3.
Variant type: single nucleotide variant.
Coding change: c.440A>G on transcript NM_001203.3 (MANE Select); coding-DNA position 440, A replaced by G.
Protein change: p.Tyr147Cys; replaces tyrosine 147 with cysteine.
Molecular consequence: missense variant.
Genome position (GRCh38, 1-based): chr4:95,123,900, A>G. VCF-style: chr4-95123900-A-G. GRCh37 (hg19) VCF-style: chr4-96045051-A-G.
Other names: c.440A>G, p.Tyr147Cys (NM_001256792.2, NM_001256794.1); c.530A>G, p.Tyr177Cys (NM_001256793.2); short protein forms Y177C, Y147C.
Identifiers: ClinVar variation 2014299 (VCV002014299.4), dbSNP rs2530207296, ClinGen allele CA357679953.
Genomic context (GRCh38, chr4:95,123,900, plus strand): 5'-CTTTACTTATATCTGTGACTGTCTGTAGTTTGCTCTTGGTCCTTATCATATTATTTTGTT[A>G]CTTCCGGTAAGTTTCTAACATGTAGATGCAAAATTTTTAATTTATAGTGTCTTCTTTTTA-3'
Protein context (NP_001194.1, residues 137-157): LLLVLIILFC[Tyr147Cys]FRYKRQETRP

ClinVar aggregate classification (germline): Uncertain significance (1 of 4 stars; one submission).

Conditions:
Type A2 brachydactyly (BDA2). Also called: BRACHYMESOPHALANGY II; Brachymesophalangy type 2; MOHR-WRIEDT TYPE BRACHYDACTYLY. Identifiers: Orphanet 93396, MedGen C1832702, MONDO:0007216, OMIM 112600, HP:0009372.
Acromesomelic dysplasia 3 (AMD3). Also called: CHONDRODYSPLASIA, ACROMESOMELIC, WITH OR WITHOUT GENITAL ANOMALIES; Acromesomelic dysplasia, Demirhan type. Identifiers: MedGen C4225404, MONDO:0012274, OMIM 609441.

Submission:

Labcorp Genetics (formerly Invitae), Labcorp
Classification: Uncertain significance for Type A2 brachydactyly; Acromesomelic dysplasia 3. Last evaluated: 2022-08-30. Review status: criteria provided, single submitter. Criteria: Invitae Variant Classification Sherloc (09022015). Collection method: clinical testing. Allele origin: germline.
Comment: In summary, the available evidence is currently insufficient to determine the role of this variant in disease. Therefore, it has been classified as a Variant of Uncertain Significance. Advanced modeling of protein sequence and biophysical properties (such as structural, functional, and spatial information, amino acid conservation, physicochemical variation, residue mobility, and thermodynamic stability) performed at Invitae indicates that this missense variant is not expected to disrupt BMPR1B protein function. This variant has not been reported in the literature in individuals affected with BMPR1B-related conditions. This variant is not present in population databases (gnomAD no frequency). This sequence change replaces tyrosine, which is neutral and polar, with cysteine, which is neutral and slightly polar, at codon 147 of the BMPR1B protein (p.Tyr147Cys).